The following is an entry in ClinVar:

NM_182914.3(SYNE2):c.10480G>C (p.Glu3494Gln)

Gene: SYNE2 (spectrin repeat containing nuclear envelope protein 2; plus strand). Cytogenetic location: 14q23.2.
Variant type: single nucleotide variant.
Coding change: c.10480G>C on transcript NM_182914.3 (MANE Select); coding-DNA position 10480, G replaced by C.
Protein change: p.Glu3494Gln; replaces glutamic acid 3494 with glutamine.
Molecular consequence: missense variant.
Genome position (GRCh38, 1-based): chr14:64,070,693, G>C. VCF-style: chr14-64070693-G-C. GRCh37 (hg19) VCF-style: chr14-64537411-G-C.
Other names: c.10480G>C, p.Glu3494Gln (NM_015180.6); short protein forms E3494Q.
Identifiers: ClinVar variation 960322 (VCV000960322.9), dbSNP rs752056288, ClinGen allele CA7221532.

ClinVar aggregate classification (germline): Uncertain significance (1 of 4 stars; one submission).

Conditions:
Emery-Dreifuss muscular dystrophy 5, autosomal dominant (EDMD5). Also called: EMERY-DREIFUSS MUSCULAR DYSTROPHY 5. Identifiers: Orphanet 261, MedGen C2751805, MONDO:0013072, OMIM 612999.

Allele frequency attached by ClinVar (database versions not stated): gnomAD below 0.00001 and 0.00001; gnomAD exomes 0.00001 and 0.00003; ExAC 0.00004.
gnomAD v4.1: 17 of 1,613,858 alleles (0.0011%); highest among the groups gnomAD compares: South Asian, 0.018%; no homozygotes.

Submission:

Labcorp Genetics (formerly Invitae), Labcorp
Classification: Uncertain significance for Emery-Dreifuss muscular dystrophy 5, autosomal dominant. Last evaluated: 2024-02-17. Review status: criteria provided, single submitter. Criteria: Invitae Variant Classification Sherloc (09022015). Collection method: clinical testing. Allele origin: germline.
Comment: This sequence change replaces glutamic acid, which is acidic and polar, with glutamine, which is neutral and polar, at codon 3494 of the SYNE2 protein (p.Glu3494Gln). This variant is present in population databases (rs752056288, gnomAD 0.02%). This variant has not been reported in the literature in individuals affected with SYNE2-related conditions. ClinVar contains an entry for this variant (Variation ID: 960322). An algorithm developed to predict the effect of missense changes on protein structure and function (PolyPhen-2) suggests that this variant is likely to be tolerated. In summary, the available evidence is currently insufficient to determine the role of this variant in disease. Therefore, it has been classified as a Variant of Uncertain Significance.